The following is an entry in ClinVar:

NM_001277115.2(DNAH11):c.6541A>G (p.Ser2181Gly)

Gene: DNAH11 (dynein axonemal heavy chain 11; plus strand). Cytogenetic location: 7p15.3.
Variant type: single nucleotide variant.
Coding change: c.6541A>G on transcript NM_001277115.2 (MANE Select); coding-DNA position 6541, A replaced by G.
Protein change: p.Ser2181Gly; replaces serine 2181 with glycine.
Molecular consequence: missense variant.
Genome position (GRCh38, 1-based): chr7:21,705,532, A>G. VCF-style: chr7-21705532-A-G. GRCh37 (hg19) VCF-style: chr7-21745150-A-G.
Other names: short protein forms S2181G.
Identifiers: ClinVar variation 956931 (VCV000956931.10), dbSNP rs1415270608, ClinGen allele CA366938297.

ClinVar aggregate classification (germline): Likely pathogenic (1 of 4 stars; one submission).

Conditions:
Primary ciliary dyskinesia. Also called: Ciliary dyskinesia. Identifiers: Orphanet 244, MedGen C0008780, MONDO:0016575, HP:0012265.

Allele frequency attached by ClinVar (database versions not stated): gnomAD exomes below 0.00001.
gnomAD v4.1: 1 of 1,613,402 alleles (0.000062%); highest among the groups gnomAD compares: Non-Finnish European, 0.000085%; no homozygotes.

Submission:

Labcorp Genetics (formerly Invitae), Labcorp
Classification: Likely pathogenic for Primary ciliary dyskinesia. Last evaluated: 2022-07-05. Review status: criteria provided, single submitter. Criteria: Invitae Variant Classification Sherloc (09022015). Collection method: clinical testing. Allele origin: germline.
Comment: In summary, the currently available evidence indicates that the variant is pathogenic, but additional data are needed to prove that conclusively. Therefore, this variant has been classified as Likely Pathogenic. Algorithms developed to predict the effect of sequence changes on RNA splicing suggest that this variant may disrupt the consensus splice site. Advanced modeling of protein sequence and biophysical properties (such as structural, functional, and spatial information, amino acid conservation, physicochemical variation, residue mobility, and thermodynamic stability) performed at Invitae indicates that this missense variant is not expected to disrupt DNAH11 protein function. ClinVar contains an entry for this variant (Variation ID: 956931). This missense change has been observed in individual(s) with primary ciliary dyskinesia (Invitae). In at least one individual the data is consistent with being in trans (on the opposite chromosome) from a pathogenic variant. This variant is present in population databases (no rsID available, gnomAD 0.0009%). This sequence change replaces serine, which is neutral and polar, with glycine, which is neutral and non-polar, at codon 2181 of the DNAH11 protein (p.Ser2181Gly).